The following is an entry in ClinVar:

ClinVar aggregate classification (germline): Pathogenic (1 of 4 stars; one submission).

Conditions:
Aniridia 1 (AN1). Identifiers: Orphanet 250923, MedGen C0344542, MONDO:0024507, OMIM 106210.
Irido-corneo-trabecular dysgenesis (ASGD5). Also called: ANTERIOR SEGMENT DYSGENESIS 5. Identifiers: Orphanet 708, MedGen C0344559, MONDO:0011414, OMIM 604229, HP:0000659.

Submission:

Labcorp Genetics (formerly Invitae), Labcorp
Classification: Pathogenic for Aniridia 1; Irido-corneo-trabecular dysgenesis. Last evaluated: 2024-02-02. Review status: criteria provided, single submitter. Criteria: Invitae Variant Classification Sherloc (09022015). Collection method: clinical testing. Allele origin: germline.
Comment: This sequence change replaces arginine, which is basic and polar, with glycine, which is neutral and non-polar, at codon 125 of the PAX6 protein (p.Arg125Gly). This variant is not present in population databases (gnomAD no frequency). This missense change has been observed in individual(s) with clinical features of aniridia (Invitae). In at least one individual the variant was observed to be de novo. Advanced modeling of protein sequence and biophysical properties (such as structural, functional, and spatial information, amino acid conservation, physicochemical variation, residue mobility, and thermodynamic stability) performed at Invitae indicates that this missense variant is expected to disrupt PAX6 protein function with a positive predictive value of 80%. For these reasons, this variant has been classified as Pathogenic.

NM_001368894.2(PAX6):c.415A>G (p.Arg139Gly)

Gene: PAX6 (paired box 6; minus strand). Cytogenetic location: 11p13.
Variant type: single nucleotide variant.
Coding change: c.415A>G on transcript NM_001368894.2 (MANE Select); coding-DNA position 415, A replaced by G.
Protein change: p.Arg139Gly; replaces arginine 139 with glycine.
Molecular consequence: missense variant. On other transcripts: 5 prime UTR variant (14), non-coding transcript variant (2).
Genome position (GRCh38, 1-based): chr11:31,800,841, T>C on the plus strand (A>G on the coding strand, the complement: PAX6 is on the minus strand). VCF-style: chr11-31800841-T-C. GRCh37 (hg19) VCF-style: chr11-31822389-T-C.
Other names: c.373A>G, p.Arg125Gly (NM_000280.6, NM_001127612.3, NM_001258464.2 and 10 more transcripts); c.415A>G, p.Arg139Gly (NM_001258462.3, NM_001258463.2, NM_001310158.2 and 6 more transcripts); c.-36A>G (NM_001310160.2, NM_001310161.3, NM_001368899.2 and 11 more transcripts); c.616A>G, p.Arg206Gly (NM_001368910.2); c.418A>G, p.Arg140Gly (NM_001368911.2); c.490A>G, p.Arg164Gly (NM_001368918.2, NM_001368919.2); c.448A>G, p.Arg150Gly (NM_001368920.2); c.214A>G, p.Arg72Gly (NM_001368921.2, NM_001368922.2, NM_001368923.2 and 4 more transcripts); and 1 more; short protein forms R140G, R164G, R206G, R150G, R125G, R139G, R58G, R72G.
Identifiers: ClinVar variation 2952137 (VCV002952137.3), dbSNP rs2496002045, ClinGen allele CA379958387.